The following is an entry in ClinVar:

NM_172107.4(KCNQ2):c.17G>C (p.Arg6Pro)

Gene: KCNQ2 (potassium voltage-gated channel subfamily Q member 2; minus strand). Cytogenetic location: 20q13.33.
Variant type: single nucleotide variant.
Coding change: c.17G>C on transcript NM_172107.4 (MANE Select); coding-DNA position 17, G replaced by C.
Protein change: p.Arg6Pro; replaces arginine 6 with proline.
Molecular consequence: missense variant.
Genome position (GRCh38, 1-based): chr20:63,472,447, C>G on the plus strand (G>C on the coding strand, the complement: KCNQ2 is on the minus strand). VCF-style: chr20-63472447-C-G. GRCh37 (hg19) VCF-style: chr20-62103800-C-G.
Other names: c.17G>C, p.Arg6Pro (NM_004518.6, NM_172106.3, NM_172108.5 and 1 more transcripts); short protein forms R6P.
Identifiers: ClinVar variation 429227 (VCV000429227.5), dbSNP rs866843916, ClinGen allele CA409636279.

ClinVar aggregate classification (germline): Uncertain significance. Review status: criteria provided, multiple submitters, no conflicts (2 of 4 stars). 2 submissions from 2 submitters: Uncertain significance (2). Last evaluated 2021-08-16.

Conditions:
Inborn genetic diseases. Identifiers: MedGen C0950123, MeSH D030342.

Submissions (2):

Ambry Genetics
Classification: Uncertain significance for Inborn genetic diseases. Last evaluated: 2021-08-16. Review status: criteria provided, single submitter. Criteria: Ambry Variant Classification Scheme 2023. Collection method: clinical testing. Allele origin: germline.

GeneDx
Classification: Uncertain significance. Last evaluated: 2019-06-11. Review status: criteria provided, single submitter. Criteria: GeneDx Variant Classification Process June 2021. Collection method: clinical testing. Allele origin: germline. Affected: yes.
Comment: Not observed in large population cohorts (Lek et al., 2016); In silico analysis, which includes protein predictors and evolutionary conservation, supports that this variant does not alter protein structure/function; Has not been previously published as pathogenic or benign to our knowledge; This substitution is predicted to be within the N-terminal cytoplasmic domain